The following is an entry in ClinVar:

ClinVar aggregate classification (germline): Uncertain significance. Review status: criteria provided, multiple submitters, no conflicts (2 of 4 stars). 2 submissions from 2 submitters: Uncertain significance (2). Last evaluated 2022-11-21.

Conditions:
Deficiency of ferroxidase (ACEP). Also called: Deficiency of ceruloplasmin; Ceruloplasmin deficiency; Familial apoceruloplasmin deficiency; Hereditary ceruloplasmin deficiency; NEURODEGENERATION WITH BRAIN IRON ACCUMULATION 10; Aceruloplasminemia. Identifiers: Orphanet 48818, MedGen C0878682, MONDO:0011426, OMIM 604290, HP:0025498.
Inborn genetic diseases. Identifiers: MedGen C0950123, MeSH D030342.

Allele frequency attached by ClinVar (database versions not stated): gnomAD 0.00001; ExAC 0.00002; gnomAD exomes 0.00002; TOPMed 0.00002.
gnomAD v4.1: 12 of 1,614,022 alleles (0.00074%); highest among the groups gnomAD compares: Admixed American, 0.02%; no homozygotes.

Submissions (2):

Ambry Genetics
Classification: Uncertain significance for Inborn genetic diseases. Last evaluated: 2022-11-21. Review status: criteria provided, single submitter. Criteria: Ambry Variant Classification Scheme 2023. Collection method: clinical testing. Allele origin: germline.

Labcorp Genetics (formerly Invitae), Labcorp
Classification: Uncertain significance for Deficiency of ferroxidase. Last evaluated: 2022-08-16. Review status: criteria provided, single submitter. Criteria: Invitae Variant Classification Sherloc (09022015). Collection method: clinical testing. Allele origin: germline.
Comment: In summary, the available evidence is currently insufficient to determine the role of this variant in disease. Therefore, it has been classified as a Variant of Uncertain Significance. Algorithms developed to predict the effect of missense changes on protein structure and function are either unavailable or do not agree on the potential impact of this missense change (SIFT: "Deleterious"; PolyPhen-2: "Benign"; Align-GVGD: "Class C0"). This variant has not been reported in the literature in individuals affected with CP-related conditions. This variant is present in population databases (rs767531621, gnomAD 0.02%). This sequence change replaces glutamic acid, which is acidic and polar, with lysine, which is basic and polar, at codon 442 of the CP protein (p.Glu442Lys).

NM_000096.4(CP):c.1324G>A (p.Glu442Lys)

Gene: CP (ceruloplasmin; minus strand). Cytogenetic location: 3q25.1.
Variant type: single nucleotide variant.
Coding change: c.1324G>A on transcript NM_000096.4 (MANE Select); coding-DNA position 1324, G replaced by A.
Protein change: p.Glu442Lys; replaces glutamic acid 442 with lysine.
Molecular consequence: missense variant. On other transcripts: non-coding transcript variant (1).
Genome position (GRCh38, 1-based): chr3:149,202,126, C>T on the plus strand (G>A on the coding strand, the complement: CP is on the minus strand). VCF-style: chr3-149202126-C-T. GRCh37 (hg19) VCF-style: chr3-148919913-C-T.
Other names: short protein forms E442K.
Identifiers: ClinVar variation 1958247 (VCV001958247.5), dbSNP rs767531621, ClinGen allele CA2661067.